The following is an entry in ClinVar:

NM_147686.4(TRAF3IP2):c.271A>G (p.Ser91Gly)

Genes: TRAF3IP2 (TRAF3 interacting protein 2; minus strand), TRAF3IP2-AS1 (TRAF3IP2 antisense RNA 1; plus strand), LOC114803478 (TRAF3IP2 eExon liver enhancer; plus strand). Cytogenetic location: 6q21.
Variant type: single nucleotide variant.
Coding change: c.271A>G on transcript NM_147686.4 (MANE Select); coding-DNA position 271, A replaced by G.
Protein change: p.Ser91Gly; replaces serine 91 with glycine.
Molecular consequence: missense variant.
Genome position (GRCh38, 1-based): chr6:111,591,816, T>C on the plus strand (A>G on the coding strand, the complement: TRAF3IP2 is on the minus strand). VCF-style: chr6-111591816-T-C. GRCh37 (hg19) VCF-style: chr6-111913019-T-C.
Other names: c.271A>G, p.Ser91Gly (NM_001164281.3); c.298A>G, p.Ser100Gly (NM_147200.3); short protein forms S100G, S91G.
Identifiers: ClinVar variation 3705068 (VCV003705068.2).

ClinVar aggregate classification (germline): Uncertain significance (1 of 4 stars; one submission).

Conditions:
Candidiasis, familial, 8 (CANDF8). Identifiers: Orphanet 1334, MedGen C3714992, MONDO:0014230, OMIM 615527.

gnomAD v4.1: 26 of 1,614,250 alleles (0.0016%); highest among the groups gnomAD compares: Middle Eastern, 0.12%; no homozygotes.

Submission:

Labcorp Genetics (formerly Invitae), Labcorp
Classification: Uncertain significance for Candidiasis, familial, 8. Last evaluated: 2024-04-06. Review status: criteria provided, single submitter. Criteria: Invitae Variant Classification Sherloc (09022015). Collection method: clinical testing. Allele origin: germline.
Comment: This sequence change replaces serine, which is neutral and polar, with glycine, which is neutral and non-polar, at codon 91 of the TRAF3IP2 protein (p.Ser91Gly). This variant is present in population databases (rs372576606, gnomAD 0.01%). This variant has not been reported in the literature in individuals affected with TRAF3IP2-related conditions. Advanced modeling of protein sequence and biophysical properties (such as structural, functional, and spatial information, amino acid conservation, physicochemical variation, residue mobility, and thermodynamic stability) performed at Invitae indicates that this missense variant is not expected to disrupt TRAF3IP2 protein function with a negative predictive value of 80%. In summary, the available evidence is currently insufficient to determine the role of this variant in disease. Therefore, it has been classified as a Variant of Uncertain Significance.